The following is an entry in ClinVar:

NM_018082.6(POLR3B):c.2774C>A (p.Pro925Gln)

Gene: POLR3B (RNA polymerase III subunit B; plus strand). Cytogenetic location: 12q23.3.
Variant type: single nucleotide variant.
Coding change: c.2774C>A on transcript NM_018082.6 (MANE Select); coding-DNA position 2774, C replaced by A.
Protein change: p.Pro925Gln; replaces proline 925 with glutamine.
Molecular consequence: missense variant.
Genome position (GRCh38, 1-based): chr12:106,496,115, C>A. VCF-style: chr12-106496115-C-A. GRCh37 (hg19) VCF-style: chr12-106889893-C-A.
Other names: c.2600C>A, p.Pro867Gln (NM_001160708.2); short protein forms P925Q, P867Q.
Identifiers: ClinVar variation 375867 (VCV000375867.4), dbSNP rs775141057, ClinGen allele CA386392634.
Genomic context (GRCh38, chr12:106,496,115, plus strand): 5'-GTGTTTGTGGCTTGATCGTCCCCCAGGAAGACATGCCATTTTGTGATTCTGGCATCTGTC[C>A]GGACATCATCATGAACCCACACGGCTTCCCATCACGAATGACGGTCAGTGACCTGTAGGT-3'
Protein context (NP_060552.4, residues 915-935): DMPFCDSGIC[Pro925Gln]DIIMNPHGFP

ClinVar aggregate classification (germline): Likely pathogenic. Review status: criteria provided, single submitter (1 of 4 stars). 3 submissions from 3 submitters: Likely pathogenic (1). 2 of the submissions do not count toward it. Last evaluated 2026-03-16.

Conditions:
Leukodystrophy, hypomyelinating, 8, with or without oligodontia and/or hypogonadotropic hypogonadism. Also called: Endosteal sclerosis-cerebellar hypoplasia syndrome; Hypomyelinating leukodystrophy 8 with or without oligodontia and-or hypogonadotropic hypogonadism; LEUKODYSTROPHY, HYPOMYELINATING, 8, WITH HYPODONTIA AND HYPOGONADOTROPIC HYPOGONADISM. Identifiers: Orphanet 85186, Orphanet 88637, MedGen C3280644, MONDO:0013722, OMIM 614381.

Submissions (3):

GeneDx
Classification: Likely pathogenic. Last evaluated: 2026-03-16. Review status: criteria provided, single submitter. Criteria: GeneDx Variant Classification Process June 2021. Collection method: clinical testing. Allele origin: germline.
Comment: Not observed at significant frequency in large population cohorts (gnomAD); In silico analysis supports that this missense variant has a deleterious effect on protein structure/function; This variant is associated with the following publications: (PMID: 27029625, 28589944)

OMIM
Classification: Pathogenic for LEUKODYSTROPHY, HYPOMYELINATING, 8, WITHOUT HYPODONTIA AND WITH HYPOGONADOTROPIC HYPOGONADISM. Last evaluated: 2022-03-04. Review status: no assertion criteria provided. Collection method: literature only. Allele origin: germline. Not counted in ClinVar's aggregate classification.

Centre de Biologie Pathologie Génétique, Centre Hospitalier Universitaire de Lille
Classification: Pathogenic for Leukodystrophy, hypomyelinating, 8, with or without oligodontia and/or hypogonadotropic hypogonadism. Review status: no assertion criteria provided. Collection method: clinical testing. Allele origin: inherited. Inheritance: Autosomal recessive inheritance. Affected: yes. Observed: 1 variant allele, 1 compound heterozygote. Not counted in ClinVar's aggregate classification.

Literature cited by the submitters: PubMed 28589944 (cited by OMIM).